The following is an entry in ClinVar:

NM_006012.4(CLPP):c.368-8G>A

Gene: CLPP (caseinolytic mitochondrial matrix peptidase proteolytic subunit; plus strand). Cytogenetic location: 19p13.3.
Variant type: single nucleotide variant.
Coding change: c.368-8G>A on transcript NM_006012.4 (MANE Select); 8 bases into the intron before coding-DNA position 368, G replaced by A.
Molecular consequence: intron variant.
Genome position (GRCh38, 1-based): chr19:6,364,444, G>A. VCF-style: chr19-6364444-G-A. GRCh37 (hg19) VCF-style: chr19-6364455-G-A.
Identifiers: ClinVar variation 226519 (VCV000226519.47), dbSNP rs143053584, ClinGen allele CA9122905.

ClinVar aggregate classification (germline): Benign/Likely benign. Review status: criteria provided, multiple submitters, no conflicts (2 of 4 stars). 8 submissions from 8 submitters: Benign (5); Likely benign (1). 2 of the submissions do not count toward it. Last evaluated 2026-08-01.

Conditions:
CLPP-related disorder. Also called: CLPP-related condition.

Allele frequency attached by ClinVar (database versions not stated): 1000 Genomes Project 30x 0.00172; 1000 Genomes Project 0.00180; TOPMed 0.00504; gnomAD 0.00578 and 0.00583; ESP Exome Variant Server 0.00647.

Submissions (8):

CeGaT Center for Human Genetics Tuebingen
Classification: Likely benign. Last evaluated: 2026-08-01. Review status: criteria provided, single submitter. Criteria: CeGaT Center For Human Genetics Tuebingen Variant Classification Criteria Version 2. Collection method: clinical testing. Allele origin: germline. Affected: yes. Observed: 32 variant alleles.
Comment: CLPP: BP4, BS2

Labcorp Genetics (formerly Invitae), Labcorp
Classification: Benign. Last evaluated: 2026-01-31. Review status: criteria provided, single submitter. Criteria: Invitae Variant Classification Sherloc (09022015). Collection method: clinical testing. Allele origin: germline.

Athena Diagnostics
Classification: Benign. Last evaluated: 2019-06-26. Review status: criteria provided, single submitter. Criteria: Athena Diagnostics Criteria. Collection method: clinical testing. Allele origin: germline.

GeneDx
Classification: Benign. Last evaluated: 2018-06-28. Review status: criteria provided, single submitter. Criteria: GeneDx Variant Classification Process June 2021. Collection method: clinical testing. Allele origin: germline. Affected: yes.

Laboratory for Molecular Medicine, Mass General Brigham Personalized Medicine
Classification: Benign. Last evaluated: 2014-11-24. Review status: criteria provided, single submitter. Criteria: LMM Criteria. Collection method: clinical testing. Allele origin: germline. Observed: 8 variant alleles.
Comment: 368-8G>A in intron 3 of CLPP: This variant is not expected to have clinical sign ificance because it has been identified in 1.0% (82/8590) of European American c hromosomes from a broad population by the NHLBI Exome Sequencing Project (dbSNP rs143053584).

Breakthrough Genomics
Classification: Benign. Review status: criteria provided, single submitter. Criteria: ACMG Guidelines, 2015. Collection method: not provided. Allele origin: germline. Inheritance: Autosomal recessive inheritance. Affected: yes.

PreventionGenetics, part of Exact Sciences
Classification: Benign for CLPP-related condition. Last evaluated: 2020-03-16. Review status: no assertion criteria provided. Collection method: clinical testing. Allele origin: germline. Not counted in ClinVar's aggregate classification.
Comment: This variant is classified as benign based on ACMG/AMP sequence variant interpretation guidelines (Richards et al. 2015 PMID: 25741868, with internal and published modifications).

Mayo Clinic Laboratories, Mayo Clinic
Classification: Likely benign. Last evaluated: 2016-02-26. Review status: no assertion criteria provided. Collection method: clinical testing. Allele origin: unknown. Not counted in ClinVar's aggregate classification.